The following is an entry in ClinVar:

ClinVar aggregate classification (germline): Uncertain significance (1 of 4 stars; one submission).

Submission:

Labcorp Genetics (formerly Invitae), Labcorp
Classification: Uncertain significance. Last evaluated: 2022-09-01. Review status: criteria provided, single submitter. Criteria: Invitae Variant Classification Sherloc (09022015). Collection method: clinical testing. Allele origin: germline.
Comment: In summary, the available evidence is currently insufficient to determine the role of this variant in disease. Therefore, it has been classified as a Variant of Uncertain Significance. Algorithms developed to predict the effect of missense changes on protein structure and function are either unavailable or do not agree on the potential impact of this missense change (SIFT: "Not Available"; PolyPhen-2: "Possibly Damaging"; Align-GVGD: "Not Available"). ClinVar contains an entry for this variant (Variation ID: 1367359). This variant has not been reported in the literature in individuals affected with UNC80-related conditions. This variant is not present in population databases (gnomAD no frequency). This sequence change replaces glycine with serine at codon 898 of the UNC80 protein (p.Gly898Ser). The glycine residue is moderately conserved and there is a small physicochemical difference between glycine and serine.

NM_001371986.1(UNC80):c.2692G>A (p.Gly898Ser)

Gene: UNC80 (unc-80 subunit of NALCN channel complex; plus strand). Cytogenetic location: 2q34.
Variant type: single nucleotide variant.
Coding change: c.2692G>A on transcript NM_001371986.1 (MANE Select); coding-DNA position 2692, G replaced by A.
Protein change: p.Gly898Ser; replaces glycine 898 with serine.
Molecular consequence: missense variant.
Genome position (GRCh38, 1-based): chr2:209,831,508, G>A. VCF-style: chr2-209831508-G-A. GRCh37 (hg19) VCF-style: chr2-210696232-G-A.
Other names: c.2692G>A, p.Gly898Ser (NM_032504.2); c.2677G>A, p.Gly893Ser (NM_182587.4); short protein forms G898S, G893S.
Identifiers: ClinVar variation 1367359 (VCV001367359.8), dbSNP rs2153828634, ClinGen allele CA350411219.